The following is an entry in ClinVar:

ClinVar aggregate classification (germline): Uncertain significance (1 of 4 stars; one submission).

Allele frequency attached by ClinVar (database versions not stated): gnomAD exomes below 0.00001.

Submission:

GeneDx
Classification: Uncertain significance. Last evaluated: 2022-02-04. Review status: criteria provided, single submitter. Criteria: GeneDx Variant Classification Process June 2021. Collection method: clinical testing. Allele origin: germline. Affected: yes.
Comment: Not observed at significant frequency in large population cohorts (gnomAD); In silico analysis supports that this missense variant does not alter protein structure/function; Has not been previously published as pathogenic or benign to our knowledge

NM_003011.4(SET):c.469G>A (p.Glu157Lys)

Gene: SET (SET nuclear proto-oncogene; plus strand). Cytogenetic location: 9q34.11.
Variant type: single nucleotide variant.
Coding change: c.469G>A on transcript NM_003011.4 (MANE Select); coding-DNA position 469, G replaced by A.
Protein change: p.Glu157Lys; replaces glutamic acid 157 with lysine.
Molecular consequence: missense variant.
Genome position (GRCh38, 1-based): chr9:128,692,958, G>A. VCF-style: chr9-128692958-G-A. GRCh37 (hg19) VCF-style: chr9-131455237-G-A.
Other names: c.508G>A, p.Glu170Lys (NM_001122821.2, NM_001374326.1); c.442G>A, p.Glu148Lys (NM_001248000.2); c.436G>A, p.Glu146Lys (NM_001248001.2); short protein forms E146K, E148K, E157K, E170K.
Identifiers: ClinVar variation 1700321 (VCV001700321.2), dbSNP rs2132253808, ClinGen allele CA375060635.
Genomic context (GRCh38, chr9:128,692,958, plus strand): 5'-AAAGTTCTCTCCAAAGAATTTCATCTGAATGAGAGTGGTGATCCATCTTCGAAGTCCACC[G>A]AAATCAAATGGAAATCTGGAAAGGTATGTTTTGAGGAATTATTTGACAAAAATAGCATTT-3'
Protein context (NP_003002.2, residues 147-167): ESGDPSSKST[Glu157Lys]IKWKSGKDLT